The following is an entry in ClinVar:

NM_006383.4(CIB2):c.558G>T (p.Arg186=)

Gene: CIB2 (calcium and integrin binding family member 2; minus strand). Cytogenetic location: 15q25.1.
Variant type: single nucleotide variant.
Coding change: c.558G>T on transcript NM_006383.4 (MANE Select); coding-DNA position 558, G replaced by T.
Protein change: p.Arg186=; no amino-acid change (arginine 186 retained).
Molecular consequence: synonymous variant. On other transcripts: non-coding transcript variant (1).
Genome position (GRCh38, 1-based): chr15:78,105,317, C>A on the plus strand (G>T on the coding strand, the complement: CIB2 is on the minus strand). VCF-style: chr15-78105317-C-A. GRCh37 (hg19) VCF-style: chr15-78397659-C-A.
Other names: c.429G>T, p.Arg143= (NM_001271888.2); c.411G>T, p.Arg137= (NM_001271889.2); c.573G>T, p.Arg191= (NM_001301224.2).
Identifiers: ClinVar variation 2645608 (VCV002645608.24), dbSNP rs1567047205, ClinGen allele CA393544113.

ClinVar aggregate classification (germline): Likely benign (1 of 4 stars; one submission).

Submission:

CeGaT Center for Human Genetics Tuebingen
Classification: Likely benign. Last evaluated: 2022-06-01. Review status: criteria provided, single submitter. Criteria: CeGaT Center For Human Genetics Tuebingen Variant Classification Criteria Version 2. Collection method: clinical testing. Allele origin: germline. Affected: yes. Observed: 1 variant allele.
Comment: CIB2: PM2:Supporting, BP4, BP7